The following is an entry in ClinVar:

ClinVar aggregate classification (germline): Uncertain significance (1 of 4 stars; one submission).

Submission:

Ambry Genetics
Classification: Uncertain significance. Last evaluated: 2024-04-23. Review status: criteria provided, single submitter. Criteria: Ambry Variant Classification Scheme 2023. Collection method: clinical testing. Allele origin: germline.
Comment: The p.K1745R variant (also known as c.5234A>G), located in coding exon 4 of the ALPK2 gene, results from an A to G substitution at nucleotide position 5234. The lysine at codon 1745 is replaced by arginine, an amino acid with highly similar properties. This amino acid position is conserved. In addition, this alteration is predicted to be tolerated by in silico analysis. Since supporting evidence is limited at this time, the clinical significance of this alteration remains unclear.

NM_052947.4(ALPK2):c.5234A>G (p.Lys1745Arg)

Genes: ALPK2 (alpha kinase 2; minus strand), LOC130062577 (ATAC-STARR-seq lymphoblastoid active region 13389; plus strand). Cytogenetic location: 18q21.31.
Variant type: single nucleotide variant.
Coding change: c.5234A>G on transcript NM_052947.4 (MANE Select); coding-DNA position 5234, A replaced by G.
Protein change: p.Lys1745Arg; replaces lysine 1745 with arginine.
Molecular consequence: missense variant.
Genome position (GRCh38, 1-based): chr18:58,534,953, T>C on the plus strand (A>G on the coding strand, the complement: ALPK2 is on the minus strand). VCF-style: chr18-58534953-T-C. GRCh37 (hg19) VCF-style: chr18-56202185-T-C.
Other names: short protein forms K1745R.
Identifiers: ClinVar variation 1746245 (VCV001746245.3), dbSNP rs2518873257, ClinGen allele CA402557443.